The following is an entry in ClinVar:

NM_000138.5(FBN1):c.407G>A (p.Cys136Tyr)

Gene: FBN1 (fibrillin 1; minus strand). Cytogenetic location: 15q21.1.
Variant type: single nucleotide variant.
Coding change: c.407G>A on transcript NM_000138.5 (MANE Select); coding-DNA position 407, G replaced by A.
Protein change: p.Cys136Tyr; replaces cysteine 136 with tyrosine.
Molecular consequence: missense variant.
Genome position (GRCh38, 1-based): chr15:48,600,174, C>T on the plus strand (G>A on the coding strand, the complement: FBN1 is on the minus strand). VCF-style: chr15-48600174-C-T. GRCh37 (hg19) VCF-style: chr15-48892371-C-T.
Other names: c.407G>A, p.Cys136Tyr (NM_001406716.1, NM_001406717.1); short protein forms C136Y.
Identifiers: ClinVar variation 2098868 (VCV002098868.6), dbSNP rs2505760991, ClinGen allele CA392446508.

ClinVar aggregate classification (germline): Pathogenic/Likely pathogenic. Review status: criteria provided, multiple submitters, no conflicts (2 of 4 stars). 2 submissions from 2 submitters: Pathogenic (1); Likely pathogenic (1). Last evaluated 2023-10-13.

Conditions:
Marfan syndrome (MFS). Also called: MARFAN SYNDROME, TYPE I; Marfan syndrome type 1; Marfan's syndrome; Marfan syndrome, classic; FBN1-Related Marfan Syndrome. Identifiers: Orphanet 284963, Orphanet 558, MedGen C0024796, MONDO:0007947, OMIM 154700.
Familial thoracic aortic aneurysm and aortic dissection (TAAD). Also called: Thoracic aortic aneurysms and dissections. Identifiers: Orphanet 91387, MedGen C4707243, MONDO:0019625.

Submissions (2):

Labcorp Genetics (formerly Invitae), Labcorp
Classification: Pathogenic for Marfan syndrome; Familial thoracic aortic aneurysm and aortic dissection. Last evaluated: 2023-10-13. Review status: criteria provided, single submitter. Criteria: Invitae Variant Classification Sherloc (09022015). Collection method: clinical testing. Allele origin: germline.
Comment: This sequence change replaces cysteine, which is neutral and slightly polar, with tyrosine, which is neutral and polar, at codon 136 of the FBN1 protein (p.Cys136Tyr). This variant is not present in population databases (gnomAD no frequency). This missense change has been observed in individual(s) with Marfan syndrome (PMID: 33059708). ClinVar contains an entry for this variant (Variation ID: 2098868). Advanced modeling of protein sequence and biophysical properties (such as structural, functional, and spatial information, amino acid conservation, physicochemical variation, residue mobility, and thermodynamic stability) performed at Invitae indicates that this missense variant is expected to disrupt FBN1 protein function. This variant affects a cysteine residue in the EGF-like, TGFBP or hybrid motif domains of FBN1. Cysteine residues are believed to be involved in intramolecular disulfide bridges and have been shown to be important for FBN1 protein structure (PMID: 16905551, 19349279). In addition, missense substitutions affecting cysteine residues within these domains are significantly overrepresented among patients with Marfan syndrome (PMID: 16571647, 17701892). This variant disrupts the p.Cys136 amino acid residue in FBN1. Other variant(s) that disrupt this residue have been observed in individuals with FBN1-related conditions (PMID: 18435798, 33059708; Invitae), which suggests that this may be a clinically significant amino acid residue. For these reasons, this variant has been classified as Pathogenic.

Juno Genomics, Hangzhou Juno Genomics, Inc
Classification: Likely pathogenic for Marfan syndrome. Review status: criteria provided, single submitter. Criteria: ACMG Guidelines, 2015. Collection method: clinical testing. Allele origin: germline. Affected: yes.
Comment: Absent from controls (or at extremely low frequency if recessive) in Genome Aggregation Database, Exome Sequencing Project, 1000 Genomes Project, or Exome Aggregation Consortium.;Multiple lines of computational evidence support a deleterious effect on the gene or gene product (conservation, evolutionary, splicing impact, etc).;The prevalence of the variant in affected individuals is significantly increased compared to the prevalence in controls.;De novo (both maternity and paternity confirmed) in a patient with the disease and no family history.;Patient's phenotype or family history is highly specific for a disease with a single genetic etiology.

Literature cited by the submitters: PubMed 33059708 (cited by Labcorp Genetics (formerly Invitae), Labcorp); PubMed 16905551 (cited by Labcorp Genetics (formerly Invitae), Labcorp); PubMed 19349279 (cited by Labcorp Genetics (formerly Invitae), Labcorp); PubMed 16571647 (cited by Labcorp Genetics (formerly Invitae), Labcorp); PubMed 17701892 (cited by Labcorp Genetics (formerly Invitae), Labcorp); PubMed 18435798 (cited by Labcorp Genetics (formerly Invitae), Labcorp).